The following is an entry in ClinVar:

NM_002291.3(LAMB1):c.3715G>A (p.Ala1239Thr)

Gene: LAMB1 (laminin subunit beta 1; minus strand). Cytogenetic location: 7q31.1.
Variant type: single nucleotide variant.
Coding change: c.3715G>A on transcript NM_002291.3 (MANE Select); coding-DNA position 3715, G replaced by A.
Protein change: p.Ala1239Thr; replaces alanine 1239 with threonine.
Molecular consequence: missense variant.
Genome position (GRCh38, 1-based): chr7:107,940,035, C>T on the plus strand (G>A on the coding strand, the complement: LAMB1 is on the minus strand). VCF-style: chr7-107940035-C-T. GRCh37 (hg19) VCF-style: chr7-107580480-C-T.
Other names: c.3715G>A (NM_002291.2); short protein forms A1239T.
Identifiers: ClinVar variation 1463461 (VCV001463461.8), dbSNP rs527547789, ClinGen allele CA4435242.

ClinVar aggregate classification (germline): Uncertain significance. Review status: criteria provided, multiple submitters, no conflicts (2 of 4 stars). 2 submissions from 2 submitters: Uncertain significance (2). Last evaluated 2024-12-10.

Conditions:
Inborn genetic diseases. Identifiers: MedGen C0950123, MeSH D030342.

Allele frequency attached by ClinVar (database versions not stated): gnomAD exomes 0.00002; ExAC 0.00003; gnomAD 0.00014; 1000 Genomes Project 30x 0.00031; TOPMed 0.00033; 1000 Genomes Project 0.00040.
gnomAD v4.1: 48 of 1,614,068 alleles (0.003%); highest among the groups gnomAD compares: Admixed American, 0.037%; no homozygotes.

Submissions (2):

Ambry Genetics
Classification: Uncertain significance for Inborn genetic diseases. Last evaluated: 2024-12-10. Review status: criteria provided, single submitter. Criteria: Ambry Variant Classification Scheme 2023. Collection method: clinical testing. Allele origin: germline.

Labcorp Genetics (formerly Invitae), Labcorp
Classification: Uncertain significance. Last evaluated: 2023-09-30. Review status: criteria provided, single submitter. Criteria: Invitae Variant Classification Sherloc (09022015). Collection method: clinical testing. Allele origin: germline.
Comment: This sequence change replaces alanine, which is neutral and non-polar, with threonine, which is neutral and polar, at codon 1239 of the LAMB1 protein (p.Ala1239Thr). This variant is present in population databases (rs527547789, gnomAD 0.008%). This variant has not been reported in the literature in individuals affected with LAMB1-related conditions. ClinVar contains an entry for this variant (Variation ID: 1463461). An algorithm developed to predict the effect of missense changes on protein structure and function (PolyPhen-2) suggests that this variant is likely to be disruptive. In summary, the available evidence is currently insufficient to determine the role of this variant in disease. Therefore, it has been classified as a Variant of Uncertain Significance.